The following is an entry in ClinVar:

NM_001369268.1(ACAN):c.1384G>A (p.Val462Ile)

Gene: ACAN (aggrecan; plus strand). Cytogenetic location: 15q26.1.
Variant type: single nucleotide variant.
Coding change: c.1384G>A on transcript NM_001369268.1 (MANE Select); coding-DNA position 1384, G replaced by A.
Protein change: p.Val462Ile; replaces valine 462 with isoleucine.
Molecular consequence: missense variant.
Genome position (GRCh38, 1-based): chr15:88,845,837, G>A. VCF-style: chr15-88845837-G-A. GRCh37 (hg19) VCF-style: chr15-89389068-G-A.
Other names: c.1384G>A (NM_013227.3); c.1384G>A, p.Val462Ile (NM_001411097.1, NM_013227.4, NM_001135.4 and 1 more transcripts); short protein forms V462I.
Identifiers: ClinVar variation 3011914 (VCV003011914.4), dbSNP rs200734577, ClinGen allele CA274470865.

ClinVar aggregate classification (germline): Uncertain significance. Review status: criteria provided, multiple submitters, no conflicts (2 of 4 stars). 2 submissions from 2 submitters: Uncertain significance (2). Last evaluated 2026-03-12.

Conditions:
Inborn genetic diseases. Identifiers: MedGen C0950123, MeSH D030342.

gnomAD v4.1: 16 of 1,494,612 alleles (0.0011%); highest among the groups gnomAD compares: East Asian, 0.012%; no homozygotes.

Submissions (2):

Ambry Genetics
Classification: Uncertain significance for Inborn genetic diseases. Last evaluated: 2026-03-12. Review status: criteria provided, single submitter. Criteria: Ambry Variant Classification Scheme 2023. Collection method: clinical testing. Allele origin: germline.

Labcorp Genetics (formerly Invitae), Labcorp
Classification: Uncertain significance. Last evaluated: 2025-03-10. Review status: criteria provided, single submitter. Criteria: Invitae Variant Classification Sherloc (09022015). Collection method: clinical testing. Allele origin: germline.
Comment: This sequence change replaces valine, which is neutral and non-polar, with isoleucine, which is neutral and non-polar, at codon 462 of the ACAN protein (p.Val462Ile). This variant is present in population databases (no rsID available, gnomAD 0.002%). This variant has not been reported in the literature in individuals affected with ACAN-related conditions. ClinVar contains an entry for this variant (Variation ID: 3011914). Invitae Evidence Modeling of protein sequence and biophysical properties (such as structural, functional, and spatial information, amino acid conservation, physicochemical variation, residue mobility, and thermodynamic stability) indicates that this missense variant is not expected to disrupt ACAN protein function with a negative predictive value of 80%. In summary, the available evidence is currently insufficient to determine the role of this variant in disease. Therefore, it has been classified as a Variant of Uncertain Significance.